The following is an entry in ClinVar:

NM_005026.5(PIK3CD):c.849C>T (p.Leu283=)

Gene: PIK3CD (phosphatidylinositol-4,5-bisphosphate 3-kinase catalytic subunit delta; plus strand). Cytogenetic location: 1p36.22.
Variant type: single nucleotide variant.
Coding change: c.849C>T on transcript NM_005026.5 (MANE Select); coding-DNA position 849, C replaced by T.
Protein change: p.Leu283=; no amino-acid change (leucine 283 retained).
Molecular consequence: synonymous variant. On other transcripts: intron variant (1).
Genome position (GRCh38, 1-based): chr1:9,717,027, C>T. VCF-style: chr1-9717027-C-T. GRCh37 (hg19) VCF-style: chr1-9777085-C-T.
Other names: c.849C>T, p.Leu283= (NM_001350234.2); c.781-19C>T (NM_001350235.1).
Identifiers: ClinVar variation 1164886 (VCV001164886.23), dbSNP rs376128746, ClinGen allele CA576996.

ClinVar aggregate classification (germline): Benign/Likely benign. Review status: criteria provided, multiple submitters, no conflicts (2 of 4 stars). 3 submissions from 3 submitters: Benign (1); Likely benign (2). Last evaluated 2026-01-08.

Conditions:
Immunodeficiency 14 (IMD14A). Also called: IMMUNODEFICIENCY 14A WITH LYMPHOPROLIFERATION, AUTOSOMAL DOMINANT; ACTIVATED PI3K-DELTA SYNDROME 1; Activated PI3K Delta Syndrome Type 1 (APDS1); p110-DELTA-ACTIVATING MUTATION CAUSING SENESCENT T CELLS, LYMPHADENOPATHY, AND IMMUNODEFICIENCY. Identifiers: Orphanet 397596, Orphanet 693661, MedGen C5907821, MONDO:0014222, OMIM 615513.

Allele frequency attached by ClinVar (database versions not stated): gnomAD 0.00003 and 0.00014; TOPMed 0.00003; ESP Exome Variant Server 0.00008; gnomAD exomes 0.00031 and 0.00063; ExAC 0.00072; 1000 Genomes Project 0.00100; 1000 Genomes Project 30x 0.00109.
gnomAD v4.1: 468 of 1,613,884 alleles (0.029%); highest among the groups gnomAD compares: South Asian, 0.47%; 4 homozygotes.

Submissions (3):

Labcorp Genetics (formerly Invitae), Labcorp
Classification: Benign for Activated PI3K-delta syndrome. Last evaluated: 2026-01-08. Review status: criteria provided, single submitter. Criteria: Invitae Variant Classification Sherloc (09022015). Collection method: clinical testing. Allele origin: germline.

CeGaT Center for Human Genetics Tuebingen
Classification: Likely benign. Last evaluated: 2024-12-01. Review status: criteria provided, single submitter. Criteria: CeGaT Center For Human Genetics Tuebingen Variant Classification Criteria Version 2. Collection method: clinical testing. Allele origin: germline. Affected: yes. Observed: 1 variant allele.
Comment: PIK3CD: BP4, BP7

Blueprint Genetics
Classification: Likely benign. Last evaluated: 2024-09-02. Review status: criteria provided, single submitter. Criteria: ACMG Guidelines, 2015. Collection method: clinical testing. Allele origin: germline.